The following is an entry in ClinVar:

NM_020937.4(FANCM):c.3363T>G (p.Ser1121Arg)

Gene: FANCM (FA complementation group M; plus strand). Cytogenetic location: 14q21.2.
Variant type: single nucleotide variant.
Coding change: c.3363T>G on transcript NM_020937.4 (MANE Select); coding-DNA position 3363, T replaced by G.
Protein change: p.Ser1121Arg; replaces serine 1121 with arginine.
Molecular consequence: missense variant.
Genome position (GRCh38, 1-based): chr14:45,176,117, T>G. VCF-style: chr14-45176117-T-G. GRCh37 (hg19) VCF-style: chr14-45645320-T-G.
Other names: c.3363T>G (LRG_502t1); c.3285T>G, p.Ser1095Arg (NM_001308133.2); short protein forms S1121R, S1095R.
Identifiers: ClinVar variation 641494 (VCV000641494.9), dbSNP rs746805378, ClinGen allele CA7169501.

ClinVar aggregate classification (germline): Uncertain significance. Review status: criteria provided, multiple submitters, no conflicts (2 of 4 stars). 2 submissions from 2 submitters: Uncertain significance (2). Last evaluated 2024-09-16.

Conditions:
Fanconi anemia (FA). Also called: Fanconi's anemia. Identifiers: Orphanet 84, MedGen C0015625, MeSH D005199, MONDO:0019391.

Allele frequency attached by ClinVar (database versions not stated): gnomAD exomes 0.00001; ExAC 0.00002.
gnomAD v4.1: 23 of 1,614,066 alleles (0.0014%); highest among the groups gnomAD compares: Non-Finnish European, 0.0019%; 1 homozygote.

Submissions (2):

Labcorp Genetics (formerly Invitae), Labcorp
Classification: Uncertain significance for Fanconi anemia. Last evaluated: 2024-09-16. Review status: criteria provided, single submitter. Criteria: Invitae Variant Classification Sherloc (09022015). Collection method: clinical testing. Allele origin: germline.
Comment: This sequence change replaces serine, which is neutral and polar, with arginine, which is basic and polar, at codon 1121 of the FANCM protein (p.Ser1121Arg). This variant is present in population databases (rs746805378, gnomAD 0.003%). This variant has not been reported in the literature in individuals affected with FANCM-related conditions. ClinVar contains an entry for this variant (Variation ID: 641494). An algorithm developed to predict the effect of missense changes on protein structure and function (PolyPhen-2) suggests that this variant is likely to be tolerated. In summary, the available evidence is currently insufficient to determine the role of this variant in disease. Therefore, it has been classified as a Variant of Uncertain Significance.

GeneDx
Classification: Uncertain significance. Last evaluated: 2024-07-05. Review status: criteria provided, single submitter. Criteria: GeneDx Variant Classification Process June 2021. Collection method: clinical testing. Allele origin: germline. Affected: yes.
Comment: Not observed at significant frequency in large population cohorts (gnomAD); In silico analysis indicates that this missense variant does not alter protein structure/function; Has not been previously published as pathogenic or benign to our knowledge